The following is an entry in ClinVar:

NM_004985.5(KRAS):c.101C>T (p.Pro34Leu)

Gene: KRAS (KRas proto-oncogene, GTPase; minus strand). Cytogenetic location: 12p12.1.
Variant type: single nucleotide variant.
Coding change: c.101C>T on transcript NM_004985.5 (MANE Select); coding-DNA position 101, C replaced by T.
Protein change: p.Pro34Leu; replaces proline 34 with leucine.
Molecular consequence: missense variant.
Genome position (GRCh38, 1-based): chr12:25,245,284, G>A on the plus strand (C>T on the coding strand, the complement: KRAS is on the minus strand). VCF-style: chr12-25245284-G-A. GRCh37 (hg19) VCF-style: chr12-25398218-G-A.
Other names: p.P34L:CCA>CTA; NM_004985.4(KRAS):c.101C>T; c.101C>T, p.Pro34Leu (NM_001369786.1, NM_001369787.1, NM_033360.4); short protein forms P34L.
Identifiers: ClinVar variation 40454 (VCV000040454.20), dbSNP rs104894366, ClinGen allele CA235301.
Genomic context (GRCh38, chr12:25,245,284, plus strand): 5'-ATCAAAGAATGGTCCTGCACCAGTAATATGCATATTAAAACAAGATTTACCTCTATTGTT[G>A]GATCATATTCGTCCACAAAATGATTCTGAATTAGCTGTATCGTCAAGGCACTCTTGCCTA-3'
Protein context (NP_004976.2, residues 24-44): IQNHFVDEYD[Pro34Leu]TIEDSYRKQV

ClinVar aggregate classification (germline): Pathogenic. Review status: reviewed by expert panel (3 of 4 stars). 9 submissions from 9 submitters: Pathogenic (1). 8 of the submissions do not count toward it. Last evaluated 2024-09-17.

Conditions:
Cardiovascular phenotype. Identifiers: MedGen CN230736.
RASopathy. Also called: Noonan spectrum disorder; rasopathies. Identifiers: Orphanet 536391, MedGen C5555857, MONDO:0021060.
Noonan syndrome (NS). Also called: Noonan's syndrome. Identifiers: Orphanet 648, MedGen C0028326, MeSH D009634, MONDO:0018997. Disease mechanism: gain of function.
Noonan syndrome 1 (NS1). Also called: FEMALE PSEUDO-TURNER SYNDROME; PTPN11-Related Noonan Syndrome; TURNER PHENOTYPE WITH NORMAL KARYOTYPE. Identifiers: Orphanet 648, MedGen C4551602, MONDO:0008104, OMIM 163950. Disease mechanism: gain of function.
Noonan syndrome 3 (NS3). Also called: KRAS-Related Noonan Syndrome. Identifiers: Orphanet 648, MedGen C1860991, MONDO:0012371, OMIM 609942.

Submissions (9):

ClinGen RASopathy Variant Curation Expert Panel
Classification: Pathogenic for Noonan syndrome. Last evaluated: 2024-09-17. Review status: reviewed by expert panel. Criteria: ClinGen RASopathy ACMG Specifications KRAS V2.1.0. Collection method: curation. Allele origin: germline. Inheritance: Autosomal dominant inheritance.
Comment: The c.101C>T variant in the KRAS gene is a missense variant predicted to cause substitution of proline by leucine at amino acid 34 (p.Pro34Leu). This variant is absent from gnomAD v4.1.0 (PM2_Supporting). The computational predictor REVEL gives a score of 0.867 supporting a deleterious impact to KRAS function (PP3). The variant is located in the KRAS gene, which has been defined by the ClinGen RASopathy Expert Panel as a gene with a low rate of benign missense variants and pathogenic missense variants are common (PP2). A different pathogenic missense variant has been previously identified at this codon of KRAS (c.101C>G (p.Pro34Arg)) which may indicate that this residue is critical to the function of the protein (PM5; ClinVar 12590). This variant has been reported in 3 individuals as two confirmed de novo occurrences and one unconfirmed de novo occurrence with clinical features of a RASopathy (PS4_Moderate, PS2_VeryStrong; PMIDs: 17056636, 30732632, ClinVar SCV: SCV000207884.10, Internal lab contributors: GeneDx). A RAS activation assay showed that this variant led to increased RAS activation (PS3_Supporting; PMID: 20949621). In summary, this variant meets criteria to be classified as pathogenic for autosomal dominant RASopathies based on the ACMG/AMP criteria applied, as specified by the ClinGen RASopathy Variant Curation Expert Panel: PS2_VeryStrong, PS4_Moderate, PM5, PS3_Supporting, PM2_Supporting, PP2, PP3 (Specification Version 2.1, 09/17/2024)

Ambry Genetics
Classification: Pathogenic for Cardiovascular phenotype. Last evaluated: 2025-12-19. Review status: criteria provided, single submitter. Criteria: Ambry Variant Classification Scheme 2023. Collection method: clinical testing. Allele origin: germline. Not counted in ClinVar's aggregate classification.
Comment: The c.101C>T (p.P34L) alteration is located in exon 2 (coding exon 1) of the KRAS gene. This alteration results from a C to T substitution at nucleotide position 101, causing the proline (P) at amino acid position 34 to be replaced by a leucine (L). This variant was not reported in population-based cohorts in the Genome Aggregation Database (gnomAD). This variant was reported in individual(s) with features consistent with KRAS-related RASopathy; in at least one individual, it was determined to be de novo (Zenker, 2007; Chen, 2019; Wang, 2023). Other variant(s) at the same codon, c.101C>A (p.P34Q), have been identified in individual(s) with features consistent with KRAS-related RASopathy (Zenker, 2007). This amino acid position is highly conserved in available vertebrate species. This missense alteration is located in a region that has a low rate of benign missense variation (Lek, 2016; Firth, 2009). This alteration is predicted to be deleterious by in silico analysis. Based on the available evidence, this alteration is classified as pathogenic.

Variantyx, Inc.
Classification: Pathogenic for Noonan syndrome 3. Last evaluated: 2025-11-27. Review status: criteria provided, single submitter. Criteria: Variantyx Assertion Criteria 2022. Collection method: clinical testing. Allele origin: de novo. Inheritance: Autosomal dominant inheritance. Affected: yes. Not counted in ClinVar's aggregate classification.
Comment: This is a nonsynonymous variant in the KRAS gene (OMIM: 190070). Pathogenic variants in this gene have been associated with autosomal dominant Noonan syndrome 3. This variant has been reported in at least 2 unrelated, affected individuals (PMID:17056636, 30732632) (PS4_Moderate). Functional studies have shown that this variant alters KRAS protein function (PMID:20949621)(PS3) and multiple computational algorithms predict a deleterious effect for this variant (REVEL score: 0.867) (PP3). This variant is absent from control populations (PM2). Other reputable laboratories have reported this variant as pathogenic or likely pathogenic, and this classification has been validated by an expert panel in ClinVar (PP5). Based on the current evidence, this variant is classified as pathogenic for autosomal dominant Noonan syndrome 3.

GeneDx
Classification: Pathogenic. Last evaluated: 2025-01-25. Review status: criteria provided, single submitter. Criteria: GeneDx Variant Classification Process June 2021. Collection method: clinical testing. Allele origin: germline. Affected: yes. Not counted in ClinVar's aggregate classification.
Comment: Published functional studies demonstrate a damaging effect on protein function (PMID: 20949621); In silico analysis supports that this missense variant has a deleterious effect on protein structure/function; Not observed at significant frequency in large population cohorts (gnomAD); Missense variants in this gene are a common cause of disease and they are underrepresented in the general population; This variant is associated with the following publications: (PMID: 29493581, 24803665, 31219622, 36566191, 36307859, 30732632, 17056636, 20949621)

Labcorp Genetics (formerly Invitae), Labcorp
Classification: Pathogenic for RASopathy. Last evaluated: 2024-11-16. Review status: criteria provided, single submitter. Criteria: Invitae Variant Classification Sherloc (09022015). Collection method: clinical testing. Allele origin: germline. Not counted in ClinVar's aggregate classification.
Comment: This sequence change replaces proline, which is neutral and non-polar, with leucine, which is neutral and non-polar, at codon 34 of the KRAS protein (p.Pro34Leu). This variant is not present in population databases (gnomAD no frequency). This missense change has been observed in individual(s) with Noonan syndrome (PMID: 17056636). In at least one individual the variant was observed to be de novo. ClinVar contains an entry for this variant (Variation ID: 40454). Invitae Evidence Modeling incorporating data from in vitro experimental studies (internal data) indicates that this missense variant is expected to disrupt KRAS function with a positive predictive value of 95%. Experimental studies have shown that this missense change affects KRAS function (PMID: 20949621). This variant disrupts the p.Pro34 amino acid residue in KRAS. Other variant(s) that disrupt this residue have been determined to be pathogenic (PMID: 16474405, 17056636). This suggests that this residue is clinically significant, and that variants that disrupt this residue are likely to be disease-causing. For these reasons, this variant has been classified as Pathogenic.

3billion
Classification: Pathogenic for Noonan syndrome 3. Last evaluated: 2023-02-23. Review status: criteria provided, single submitter. Criteria: ACMG Guidelines, 2015. Collection method: clinical testing. Allele origin: unknown. Affected: yes. Not counted in ClinVar's aggregate classification.
Comment: The variant is not observed in the gnomAD v2.1.1 dataset. Missense changes are a common disease-causing mechanism. In silico tool predictions suggest damaging effect of the variant on gene or gene product (REVEL: 0.87; 3Cnet: 0.97). Same nucleotide change resulting in same amino acid change has been previously reported as pathogenic/likely pathogenic with strong evidence (ClinVar ID: VCV000040454). The variant has been previously reported as de novo in at least two similarly affected unrelated individuals (PMID: 17056636, 20949621). A different missense change at the same codon (p.Pro34Arg) has been reported as pathogenic/likely pathogenic with strong evidence (ClinVar ID: VCV000012590). Therefore, this variant is classified as Pathogenic according to the recommendation of ACMG/AMP guideline.

Laboratory for Molecular Medicine, Mass General Brigham Personalized Medicine
Classification: Pathogenic for Noonan syndrome. Last evaluated: 2013-06-04. Review status: criteria provided, single submitter. Criteria: LMM Criteria. Collection method: clinical testing. Allele origin: germline. Inheritance: Autosomal dominant inheritance. Observed: 1 variant allele. Not counted in ClinVar's aggregate classification.
Comment: The Pro34Leu variant in KRAS has not been identified by our laboratory, but has been reported in one individual with Noonan syndrome where it was demonstrated t o have occurred de novo (Zenker 2007). Another variant at the same nucleotide p osition (c.101C>A, p.Pro34Gln) has also been reported in another patient with No onan syndrome where it too, was demonstrated to have occurred de novo (Zenker 20 07). Functional studies have shown that the Pro34Leu variant results in a GTPas e-Activating Protein (GAP)-resistant conformation and consequently, to a weak ga in-of-function, consistent with disease pathogenesis (Gremer 2010). This variant has not been reported in large population studies, consistent with a pathogenic role. Computational analyses (biochemical amino acid properties, conservation, AlignGVGD, PolyPhen2, and SIFT) suggest that the variant may impact the protein. In summary, this variant meets our criteria to be classified as pathogenic bas ed on the de novo occurrence and supportive functional studies.

Greenwood Genetic Center Diagnostic Laboratories, Greenwood Genetic Center
Classification: Pathogenic. Last evaluated: 2015-01-15. Review status: no assertion criteria provided. Collection method: clinical testing. Allele origin: germline. Not counted in ClinVar's aggregate classification.

Molecular Genetics, Centre for Human Genetics
Classification: Pathogenic for Noonan syndrome 1. Review status: no assertion criteria provided. Collection method: clinical testing. Allele origin: de novo. Inheritance: Autosomal dominant inheritance. Affected: yes. Observed: 1 variant allele. Not counted in ClinVar's aggregate classification.

Literature cited by the submitters: PubMed 17056636 (cited by 5 submitters); PubMed 30732632 (cited by Ambry Genetics and Variantyx, Inc.); PubMed 37895220 (cited by Ambry Genetics); PubMed 20949621 (cited by 3 submitters); PubMed 16474405 (cited by Labcorp Genetics (formerly Invitae), Labcorp and Laboratory for Molecular Medicine, Mass General Brigham Personalized Medicine); PubMed 17875937 (cited by Laboratory for Molecular Medicine, Mass General Brigham Personalized Medicine).